The following is an entry in ClinVar:

NM_020821.3(VPS13C):c.9661G>T (p.Val3221Leu)

Gene: VPS13C (vacuolar protein sorting 13 homolog C; minus strand). Cytogenetic location: 15q22.2.
Variant type: single nucleotide variant.
Coding change: c.9661G>T on transcript NM_020821.3 (MANE Select); coding-DNA position 9661, G replaced by T.
Protein change: p.Val3221Leu; replaces valine 3221 with leucine.
Molecular consequence: missense variant.
Genome position (GRCh38, 1-based): chr15:61,881,792, C>A on the plus strand (G>T on the coding strand, the complement: VPS13C is on the minus strand). VCF-style: chr15-61881792-C-A. GRCh37 (hg19) VCF-style: chr15-62173991-C-A.
Other names: c.9661G>T, p.Val3221Leu (NM_001018088.3); c.9532G>T, p.Val3178Leu (NM_017684.5, NM_018080.4); c.9661G>T (NM_020821.2); short protein forms V3178L, V3221L.
Identifiers: ClinVar variation 1468194 (VCV001468194.10), dbSNP rs375216345, ClinGen allele CA7594580.
Genomic context (GRCh38, chr15:61,881,792, plus strand): 5'-CTTATTTTATTTTACCTGAATCTAAAGCAATAGATTTTGGAGGGGCAACAGGATGAAATA[C>A]AACAGGGAACATTGCACCTGGTAACTGATTATCAACCTGAAAGAAAAGAAAACGAACTTA-3'
Protein context (NP_065872.1, residues 3211-3231): NQLPGAMFPV[Val3221Leu]FHPVAPPKSI

ClinVar aggregate classification (germline): Uncertain significance. Review status: criteria provided, single submitter (1 of 4 stars). 2 submissions from 2 submitters: Uncertain significance (1). 1 of the submissions does not count toward it. Last evaluated 2022-10-18.

Conditions:
VPS13C-related disorder. Also called: VPS13C-related condition.

Allele frequency attached by ClinVar (database versions not stated): 1000 Genomes Project 30x 0.00031; 1000 Genomes Project 0.00040.
gnomAD v4.1: 9 of 1,604,432 alleles (0.00056%); highest among the groups gnomAD compares: East Asian, 0.02%; no homozygotes.

Submissions (2):

Labcorp Genetics (formerly Invitae), Labcorp
Classification: Uncertain significance. Last evaluated: 2022-10-18. Review status: criteria provided, single submitter. Criteria: Invitae Variant Classification Sherloc (09022015). Collection method: clinical testing. Allele origin: germline.
Comment: This variant has not been reported in the literature in individuals affected with VPS13C-related conditions. In summary, the available evidence is currently insufficient to determine the role of this variant in disease. Therefore, it has been classified as a Variant of Uncertain Significance. Advanced modeling of protein sequence and biophysical properties (such as structural, functional, and spatial information, amino acid conservation, physicochemical variation, residue mobility, and thermodynamic stability) performed at Invitae indicates that this missense variant is expected to disrupt VPS13C protein function. ClinVar contains an entry for this variant (Variation ID: 1468194). This variant is present in population databases (rs375216345, gnomAD 0.07%). This sequence change replaces valine, which is neutral and non-polar, with leucine, which is neutral and non-polar, at codon 3221 of the VPS13C protein (p.Val3221Leu).

PreventionGenetics, part of Exact Sciences
Classification: Uncertain significance for VPS13C-related condition. Last evaluated: 2023-11-09. Review status: no assertion criteria provided. Collection method: clinical testing. Allele origin: germline. Not counted in ClinVar's aggregate classification.
Comment: The VPS13C c.9661G>T variant is predicted to result in the amino acid substitution p.Val3221Leu. To our knowledge, this variant has not been reported in the literature. This variant is reported in 0.068% of alleles in individuals of East Asian descent in gnomAD. At this time, the clinical significance of this variant is uncertain due to the absence of conclusive functional and genetic evidence.